The following is an entry in ClinVar:

NM_007294.4(BRCA1):c.4472C>T (p.Pro1491Leu)

Gene: BRCA1 (BRCA1 DNA repair associated; minus strand). Cytogenetic location: 17q21.31.
Variant type: single nucleotide variant.
Coding change: c.4472C>T on transcript NM_007294.4 (MANE Select); coding-DNA position 4472, C replaced by T.
Protein change: p.Pro1491Leu; replaces proline 1491 with leucine.
Molecular consequence: missense variant. On other transcripts: non-coding transcript variant (1).
Genome position (GRCh38, 1-based): chr17:43,076,500, G>A on the plus strand (C>T on the coding strand, the complement: BRCA1 is on the minus strand). VCF-style: chr17-43076500-G-A. GRCh37 (hg19) VCF-style: chr17-41228517-G-A.
Other names: c.4136C>T, p.Pro1379Leu (NM_001407952.1, NM_001407953.1, NM_001407954.1 and 3 more transcripts); c.4133C>T, p.Pro1378Leu (NM_001407956.1, NM_001407957.1, NM_001407958.1); c.4091C>T, p.Pro1364Leu (NM_001407959.1); c.4088C>T, p.Pro1363Leu (NM_001407960.1, NM_001407962.1); c.4085C>T, p.Pro1362Leu (NM_001407963.1); c.3965C>T, p.Pro1322Leu (NM_001407965.1); c.3584C>T, p.Pro1195Leu (NM_001407966.1); c.3581C>T, p.Pro1194Leu (NM_001407967.1); and 68 more; short protein forms P1322L, P1362L, P1419L, P1420L, P1449L, P1463L, P1465L, P1488L.
Identifiers: ClinVar variation 1999192 (VCV001999192.4), dbSNP rs2052719695, ClinGen allele CA10592585.

ClinVar aggregate classification (germline): Uncertain significance (1 of 4 stars; one submission).

Conditions:
Hereditary breast ovarian cancer syndrome. Also called: Breast and ovarian cancer; Hereditary breast and ovarian cancer syndrome; BRCA1- and BRCA2-Associated Hereditary Breast and Ovarian Cancer; Hereditary breast and ovarian cancer syndrome (HBOC); Hereditary breast and/or ovarian cancer syndrome; Hereditary breast and ovarian cancer. Identifiers: Orphanet 145, MedGen C0677776, MeSH D061325, MONDO:0003582. Disease mechanism: loss of function.

Submission:

Labcorp Genetics (formerly Invitae), Labcorp
Classification: Uncertain significance for Hereditary breast ovarian cancer syndrome. Last evaluated: 2022-05-26. Review status: criteria provided, single submitter. Criteria: Invitae Variant Classification Sherloc (09022015). Collection method: clinical testing. Allele origin: germline.
Comment: In summary, the available evidence is currently insufficient to determine the role of this variant in disease. Therefore, it has been classified as a Variant of Uncertain Significance. Advanced modeling of protein sequence and biophysical properties (such as structural, functional, and spatial information, amino acid conservation, physicochemical variation, residue mobility, and thermodynamic stability) performed at Invitae indicates that this missense variant is not expected to disrupt BRCA1 protein function. This variant has not been reported in the literature in individuals affected with BRCA1-related conditions. This variant is not present in population databases (gnomAD no frequency). This sequence change replaces proline, which is neutral and non-polar, with leucine, which is neutral and non-polar, at codon 1491 of the BRCA1 protein (p.Pro1491Leu).